The following is an entry in ClinVar:

ClinVar aggregate classification (germline): Pathogenic (1 of 4 stars; one submission).

Conditions:
Familial adenomatous polyposis 3. Also called: NTHL1-Related Adenomatous Polyposis and Colorectal Cancer; NTHL1 Tumor Syndrome; NTHL1-related attenuated familial adenomatous polyposis; NTHL1-associated polyposis. Identifiers: Orphanet 220460, Orphanet 454840, MedGen C4225157, MONDO:0014630, OMIM 616415.

Submission:

Myriad Genetics, Inc.
Classification: Pathogenic for Familial adenomatous polyposis 3. Last evaluated: 2023-09-01. Review status: criteria provided, single submitter. Criteria: Myriad Autosomal Dominant, Autosomal Recessive and X-Linked Classification Criteria (2023). Collection method: clinical testing. Allele origin: unknown.
Comment: This variant is considered pathogenic. This variant creates a frameshift predicted to result in premature protein truncation.

NM_002528.7(NTHL1):c.305_315del (p.Val102fs)

Gene: NTHL1 (nth like DNA glycosylase 1; minus strand). Cytogenetic location: 16p13.3.
Variant type: Deletion.
Coding change: c.305_315del on transcript NM_002528.7 (MANE Select); coding-DNA positions 305 to 315, 11 bases deleted (TGGACCATCTG).
Protein change: p.Val102fs; shifts the reading frame from valine 102.
Molecular consequence: frameshift variant. On other transcripts: intron variant (1).
Genome position (GRCh38, 1-based): chr16:2,046,167-2,046,177, CAGATGGTCCA deleted on the plus strand (TGGACCATCTG on the coding strand, the reverse complement: NTHL1 is on the minus strand); deleting any 11 consecutive bases within chr16:2,046,167-2,046,180 gives the same sequence; the c. name uses the placement nearest the transcript's 3' end. VCF-style (leftmost placement, unchanged base first): chr16-2046166-CCAGATGGTCCA-C. GRCh37 (hg19) VCF-style: chr16-2096167-CCAGATGGTCCA-C.
Other names: c.305_315del, p.Val102fs (NM_001318193.2); c.24+103_24+113del (NM_001318194.2); short protein forms V102fs.
Identifiers: ClinVar variation 2673815 (VCV002673815.1), dbSNP rs2548319413, ClinGen allele CA2695197410.